The following is an entry in ClinVar:

NM_002618.4(PEX13):c.92+6T>C

Genes: PUS10 (pseudouridine synthase 10; minus strand), PEX13 (peroxisomal biogenesis factor 13; plus strand). Cytogenetic location: 2p15.
Variant type: single nucleotide variant.
Coding change: c.92+6T>C on transcript NM_002618.4 (MANE Select); 6 bases into the intron after coding-DNA position 92, T replaced by C.
Molecular consequence: intron variant.
Genome position (GRCh38, 1-based): chr2:61,017,857, T>C. VCF-style: chr2-61017857-T-C. GRCh37 (hg19) VCF-style: chr2-61244992-T-C.
Other names: c.-16+151A>G (NM_144709.4); c.-623+151A>G (NM_001322127.1).
Identifiers: ClinVar variation 1512021 (VCV001512021.6), dbSNP rs1291662088, ClinGen allele CA532818352.
Genomic context (GRCh38, chr2:61,017,857, plus strand): 5'-AGACCCGCCGAATTCCGGGAGCCGGACCGGGACCAGGACCGGGCCCCACTTTCCAGTGAG[T>C]GTGGGATTCTTCAGGCTGTGAGTTTAGTGGGCCCGAGCGGGGACTTGGCAGGAGGCGGTT-3'

ClinVar aggregate classification (germline): Uncertain significance (1 of 4 stars; one submission).

Conditions:
Peroxisome biogenesis disorder 11A (Zellweger). Also called: Peroxisome biogenesis disorder 11A. Identifiers: Orphanet 912, MedGen C3554000, MONDO:0013949, OMIM 614883.

Allele frequency attached by ClinVar (database versions not stated): gnomAD exomes 0.00001.
gnomAD v4.1: 5 of 1,549,818 alleles (0.00032%); highest among the groups gnomAD compares: Non-Finnish European, 0.00044%; no homozygotes.

Submission:

Labcorp Genetics (formerly Invitae), Labcorp
Classification: Uncertain significance for Peroxisome biogenesis disorder 11A (Zellweger). Last evaluated: 2021-11-16. Review status: criteria provided, single submitter. Criteria: Invitae Variant Classification Sherloc (09022015). Collection method: clinical testing. Allele origin: germline.
Comment: In summary, the available evidence is currently insufficient to determine the role of this variant in disease. Therefore, it has been classified as a Variant of Uncertain Significance. Variants that disrupt the consensus splice site are a relatively common cause of aberrant splicing (PMID: 17576681, 9536098). Algorithms developed to predict the effect of sequence changes on RNA splicing suggest that this variant may disrupt the consensus splice site. This variant has not been reported in the literature in individuals affected with PEX13-related conditions. This variant is present in population databases (no rsID available, gnomAD 0.002%). This sequence change falls in intron 1 of the PEX13 gene. It does not directly change the encoded amino acid sequence of the PEX13 protein. It affects a nucleotide within the consensus splice site.

Literature cited by the submitters: PubMed 17576681; PubMed 9536098.